The following is an entry in ClinVar:

NM_001130438.3(SPTAN1):c.7021G>A (p.Asp2341Asn)

Gene: SPTAN1 (spectrin alpha, non-erythrocytic 1; plus strand). Cytogenetic location: 9q34.11.
Variant type: single nucleotide variant.
Coding change: c.7021G>A on transcript NM_001130438.3 (MANE Select); coding-DNA position 7021, G replaced by A.
Protein change: p.Asp2341Asn; replaces aspartic acid 2341 with asparagine.
Molecular consequence: missense variant.
Genome position (GRCh38, 1-based): chr9:128,632,579, G>A. VCF-style: chr9-128632579-G-A. GRCh37 (hg19) VCF-style: chr9-131394858-G-A.
Other names: c.6946G>A, p.Asp2316Asn (NM_001195532.2); c.7084G>A, p.Asp2362Asn (NM_001363759.2); c.6961G>A, p.Asp2321Asn (NM_001363765.2, NM_001375314.2); c.7108G>A, p.Asp2370Asn (NM_001375310.1); c.7021G>A, p.Asp2341Asn (NM_001375311.2); c.7057G>A, p.Asp2353Asn (NM_001375312.2, NM_001438440.1); c.7003G>A, p.Asp2335Asn (NM_001375313.1); c.7120G>A, p.Asp2374Asn (NM_001375318.1); and 6 more; short protein forms D2310N, D2315N, D2316N, D2321N, D2330N, D2335N, D2336N, D2337N.
Identifiers: ClinVar variation 4801860 (VCV004801860.1).

ClinVar aggregate classification (germline): Uncertain significance (1 of 4 stars; one submission).

Conditions:
Early-infantile DEE. Also called: Early infantile epileptic encephalopathy; Early infantile epileptic encephalopathy with suppression bursts; Ohtahara syndrome. Identifiers: Orphanet 1934, MedGen C0393706, MONDO:0800491.

Submission:

Labcorp Genetics (formerly Invitae), Labcorp
Classification: Uncertain significance for Early-infantile DEE. Last evaluated: 2025-07-02. Review status: criteria provided, single submitter. Criteria: Invitae Variant Classification Sherloc (09022015). Collection method: clinical testing. Allele origin: germline.
Comment: This sequence change replaces aspartic acid, which is acidic and polar, with asparagine, which is neutral and polar, at codon 2341 of the SPTAN1 protein (p.Asp2341Asn). This variant is not present in population databases (gnomAD no frequency). This variant has not been reported in the literature in individuals affected with SPTAN1-related conditions. Invitae Evidence Modeling of protein sequence and biophysical properties (such as structural, functional, and spatial information, amino acid conservation, physicochemical variation, residue mobility, and thermodynamic stability) has been performed for this missense variant. However, the output from this modeling did not meet the statistical confidence thresholds required to predict the impact of this variant on SPTAN1 protein function. In summary, the available evidence is currently insufficient to determine the role of this variant in disease. Therefore, it has been classified as a Variant of Uncertain Significance.